The following is an entry in ClinVar:

NM_032130.3(FAM186B):c.2602A>G (p.Lys868Glu)

Gene: FAM186B (family with sequence similarity 186 member B; minus strand). Cytogenetic location: 12q13.12.
Variant type: single nucleotide variant.
Coding change: c.2602A>G on transcript NM_032130.3 (MANE Select); coding-DNA position 2602, A replaced by G.
Protein change: p.Lys868Glu; replaces lysine 868 with glutamic acid.
Molecular consequence: missense variant.
Genome position (GRCh38, 1-based): chr12:49,587,685, T>C on the plus strand (A>G on the coding strand, the complement: FAM186B is on the minus strand). VCF-style: chr12-49587685-T-C. GRCh37 (hg19) VCF-style: chr12-49981468-T-C.
Other names: short protein forms K868E.
Identifiers: ClinVar variation 3512009 (VCV003512009.3).
Genomic context (GRCh38, chr12:49,587,685, plus strand): 5'-GCCGGGGAATATCTGGGTGTCCCCTCAGCTGGTCCCGGGGAAGGCTGGCAGGGGTCTTTT[T>C]TTCTATTGCGTAACTGGAGGAGGCCACCTCGGTCTTCCAGACAGCCTCCATCTGCTTCCC-3'
Protein context (NP_115506.1, residues 858-878): EVASSSYAIE[Lys868Glu]KTPASLPRDQ

ClinVar aggregate classification (germline): Uncertain significance. Review status: criteria provided, multiple submitters, no conflicts (2 of 4 stars). 2 submissions from 2 submitters: Uncertain significance (2). Last evaluated 2024-11-21.

gnomAD v4.1: 232 of 1,613,982 alleles (0.014%); highest among the groups gnomAD compares: Non-Finnish European, 0.018%; no homozygotes.

Submissions (2):

Ambry Genetics
Classification: Uncertain significance. Last evaluated: 2024-11-21. Review status: criteria provided, single submitter. Criteria: Ambry Variant Classification Scheme 2023. Collection method: clinical testing. Allele origin: germline.

Labcorp Genetics (formerly Invitae), Labcorp
Classification: Uncertain significance. Last evaluated: 2024-11-12. Review status: criteria provided, single submitter. Criteria: Invitae Variant Classification Sherloc (09022015). Collection method: clinical testing. Allele origin: germline.
Comment: This sequence change replaces lysine, which is basic and polar, with glutamic acid, which is acidic and polar, at codon 868 of the FAM186B protein (p.Lys868Glu). This variant is present in population databases (rs139465007, gnomAD 0.01%). This variant has not been reported in the literature in individuals affected with FAM186B-related conditions. An algorithm developed to predict the effect of missense changes on protein structure and function outputs the following: PolyPhen-2: "Benign". The glutamic acid amino acid residue is found in multiple mammalian species, which suggests that this missense change does not adversely affect protein function. In summary, the available evidence is currently insufficient to determine the role of this variant in disease. Therefore, it has been classified as a Variant of Uncertain Significance.